The following is an entry in ClinVar:

ClinVar aggregate classification (germline): Conflicting classifications of pathogenicity. Review status: criteria provided, conflicting classifications (1 of 4 stars). 11 submissions from 11 submitters: Uncertain significance (5); Likely benign (4). 2 of the submissions do not count toward it. Last evaluated 2026-01-29.

Conditions:
Hereditary nonpolyposis colorectal neoplasms. Identifiers: MedGen C0009405, MeSH D003123.
Hereditary cancer-predisposing syndrome. Also called: Neoplastic Syndromes, Hereditary; Tumor predisposition; Hereditary Cancer Syndrome; Hereditary neoplastic syndrome. Identifiers: Orphanet 140162, MedGen C0027672, MeSH D009386, MONDO:0015356.
Lynch syndrome. Identifiers: Orphanet 144, MedGen C4552100, MONDO:0005835. Disease mechanism: loss of function.
Lynch syndrome 5 (LYNCH5). Also called: Colorectal cancer, hereditary nonpolyposis, type 5; Hereditary non-polyposis colorectal cancer, type 5. Identifiers: Orphanet 144, MedGen C1833477, MONDO:0013710, OMIM 614350. Disease mechanism: loss of function.
Malignant tumor of breast. Also called: Malignant breast neoplasm; Cancer breast. Identifiers: MedGen C0006142, MONDO:0007254. Disease mechanism: loss of function.

Allele frequency attached by ClinVar (database versions not stated): ExAC 0.00004; gnomAD 0.00004; TOPMed 0.00005; gnomAD exomes 0.00006; ESP Exome Variant Server 0.00015.
gnomAD v4.1: 49 of 1,613,910 alleles (0.003%); highest among the groups gnomAD compares: Admixed American, 0.0067%; no homozygotes.

Submissions (11):

Labcorp Genetics (formerly Invitae), Labcorp
Classification: Likely benign for Hereditary nonpolyposis colorectal neoplasms. Last evaluated: 2026-01-29. Review status: criteria provided, single submitter. Criteria: Invitae Variant Classification Sherloc (09022015). Collection method: clinical testing. Allele origin: germline.

Women's Health and Genetics/Laboratory Corporation of America, LabCorp
Classification: Likely benign. Last evaluated: 2025-10-14. Review status: criteria provided, single submitter. Criteria: LabCorp Variant Classification Summary - May 2015. Collection method: clinical testing. Allele origin: germline.
Comment: Variant summary: MSH6 c.1364A>C (p.Asn455Thr) results in a non-conservative amino acid change located in the DNA mismatch repair protein MutS-like, N-terminal domain of the encoded protein sequence. Algorithms developed to predict the effect of missense changes on protein structure and function are either unavailable or do not agree on the potential impact of this missense change. The variant allele was found at a frequency of 2.9e-05 in 1461760 control chromosomes, predominantly at a frequency of 0.0008 within the Ashkenazi Jewish subpopulation in the gnomAD database. The observed variant frequency within Ashkenazi Jewish control individuals in the gnomAD database exceeds the estimated maximal expected allele frequency for disease-causing variants in MSH6. c.1364A>C has been observed in individual(s) affected with Hereditary Nonpolyposis Colorectal Cancer or other types of cancer (examples: Shirts_2015, Lu_2015, Abe_2019). These report(s) do not provide unequivocal conclusions about association of the variant with Hereditary Nonpolyposis Colorectal Cancer. To our knowledge, no experimental evidence demonstrating an impact on protein function has been reported. The following publications have been ascertained in the context of this evaluation (PMID: 30883245, 22703879, 26689913, 26845104, 23621914). ClinVar contains an entry for this variant (Variation ID: 142181). Based on the evidence outlined above, the variant was classified as likely benign.

Ambry Genetics
Classification: Likely benign for Hereditary cancer-predisposing syndrome. Last evaluated: 2025-04-03. Review status: criteria provided, single submitter. Criteria: Ambry Variant Classification Scheme 2023. Collection method: clinical testing. Allele origin: germline.

Myriad Genetics, Inc.
Classification: Likely benign for Lynch syndrome 5. Last evaluated: 2024-12-26. Review status: criteria provided, single submitter. Criteria: Myriad Autosomal Dominant, Autosomal Recessive and X-Linked Classification Criteria (2023). Collection method: clinical testing. Allele origin: unknown.
Comment: This variant is considered likely benign. This variant is strongly associated with less severe personal and family histories of cancer, typical for individuals without pathogenic variants in this gene [PMID: 27363726].

GeneDx
Classification: Uncertain significance. Last evaluated: 2024-08-26. Review status: criteria provided, single submitter. Criteria: GeneDx Variant Classification Process June 2021. Collection method: clinical testing. Allele origin: germline. Affected: yes.
Comment: Reported in individuals with various cancers such as pancreatic, bladder, thyroid, head/neck, and melanoma (PMID: 26689913, 26845104, 29684080, 30883245, 32885271); In silico analysis indicates that this missense variant does not alter protein structure/function; This variant is associated with the following publications: (PMID: 26689913, 23621914, 22703879, 26845104, 28873162, 29684080, 30883245, 21120944, 17531815, 30267214, 36243179, 32885271)

Quest Diagnostics Nichols Institute San Juan Capistrano
Classification: Uncertain significance. Last evaluated: 2024-08-22. Review status: criteria provided, single submitter. Criteria: Quest Diagnostics criteria. Collection method: clinical testing. Allele origin: unknown.
Comment: The MSH6 c.1364A>C (p.Asn455Thr) variant has been reported in individuals with head and neck squamous cell carcinoma (PMID: 26689913 (2015)), bladder cancer (PMID: 26845104 (2016)), pancreatic cancer (PMID: 30883245 (2019)), and thyroid cancer and melanoma (PMID: 32885271 (2021)). This variant has also been observed in reportedly healthy individuals (PMID: 22703879 (2012), 36243179 (2022)). The frequency of this variant in the general population, 0.00079 (8/10070 chromosomes in Ashkenazi Jewish subpopulation (Genome Aggregation Database)), is higher than would generally be expected for pathogenic variants in this gene. Analysis of this variant using bioinformatics tools for the prediction of the effect of amino acid changes on protein structure and function yielded predictions that this variant is benign. Based on the available information, we are unable to determine the clinical significance of this variant.

Color Diagnostics, LLC DBA Color Health
Classification: Uncertain significance for Hereditary cancer-predisposing syndrome. Last evaluated: 2024-05-21. Review status: criteria provided, single submitter. Criteria: ACMG Guidelines, 2015. Collection method: clinical testing. Allele origin: germline.
Comment: This missense variant replaces asparagine with threonine at codon 455 of the MSH6 protein. Computational prediction suggests that this variant may not impact protein structure and function. To our knowledge, functional studies have not been reported for this variant. This variant has not been reported in individuals affected with MSH6-related disorders in the literature. This variant has been identified in 15/251056 chromosomes in the general population by the Genome Aggregation Database (gnomAD). The available evidence is insufficient to determine the role of this variant in disease conclusively. Therefore, this variant is classified as a Variant of Uncertain Significance.

Sema4
Classification: Uncertain significance for Hereditary cancer-predisposing syndrome. Last evaluated: 2021-06-14. Review status: criteria provided, single submitter. Criteria: Sema4 Curation Guidelines. Collection method: curation. Allele origin: germline.
Comment: The MSH6 c.1364A>C (p.N455T) variant has been reported in heterozygosity in at least 4 individuals with head and neck squamous cell carcinoma, bladder cancer, thyroid carcinoma, and high risk of pancreatic cancer (PMID: 26689913, 26845104, 30883245, 23621914). The variant was also detected in an individual selected for atherosclerosis phenotypes (PMID 22703879). This variant was observed in 8/10070 chromosomes in the Ashkenazi Jewish population, according to the Genome Aggregation Database (PMID: 32461654). This variant has been reported in ClinVar (Variation ID: 142181). In silico tools suggest the impact of the variant on protein function is inconclusive, though an algorithm developed to assess MSH6 variants suggests that this missense change has no impact on function (PMID 23621914). However, these predictions have not been confirmed by functional studies. The overall evidence is inconsistent with ACMG/AMP requirements for a classification of benign or pathogenic. In summary, the clinical significance of this variant is currently uncertain.

University of Washington Department of Laboratory Medicine, University of Washington
Classification: Uncertain significance for Hereditary nonpolyposis colon cancer. Last evaluated: 2015-11-20. Review status: criteria provided, single submitter. Criteria: Shirts et al. (Genet Med 2016). Collection method: clinical testing. Allele origin: germline. Affected: yes. Observed: 1 variant allele.

Counsyl
Classification: Uncertain significance for Lynch syndrome 5. Last evaluated: 2015-11-17. Review status: no assertion criteria provided. Collection method: clinical testing. Allele origin: unknown. Not counted in ClinVar's aggregate classification.

Department of Pathology and Laboratory Medicine, Sinai Health System
Classification: Uncertain significance for Malignant tumor of breast. Review status: no assertion criteria provided. Collection method: clinical testing. Allele origin: unknown. Affected: yes. Study: The Canadian Open Genetics Repository (COGR). Not counted in ClinVar's aggregate classification.
Comment: The MSH6 p.Asn455Thr variant was identified in 1 of 1142 control chromosomes (frequency: 0.001) in individuals with atherosclerosis phenotypes undergoing secondary (incidental) variant detection by exome sequencing (Johnston 2012_ 22703879). A bioinformatic tool, CoDP ((Combination of the Different Properties), that integrates 3 prediction models (MAPP, PolyPhen-2 and SIFT) and 2 structural properties, found that the variant had no impact on the MSH6 protein (Terui 2013 23621914). The variant was also identified in dbSNP (ID: rs200938360) â€šÃ„ÃºWith Uncertain significance alleleâ€šÃ„Ã¹, ClinVar (as uncertain significance by Ambry Genetics, Invitae, University of Washington, GeneDx, and Counsyl), Clinvitae (4x as uncertain significance), LOVD 3.0 (1x), and in control databases in 13 of 245818 chromosomes at a frequency of 0.00005 (Genome Aggregation Database Feb 27, 2017). Breakdown of the observations by population include African in 1 of 15302 chromosomes (freq: 0.00007), Latino in 4 of 33544 chromosomes (freq: 0.0001), European Non-Finnish in 1 of 111452 chromosomes (freq: 0.000009), Ashkenazi Jewish in 7 of 9842 chromosomes (freq: 0.0007), while not observed in the Other, East Asian, European Finnish and South Asian populations. The variant was not identified in Cosmic, MutDB, UMD-LSDB, Insight Colon Cancer Gene Variant Database, Zhejiang Colon Cancer Database, Mismatch Repair Genes Variant Database, and Insight Hereditary Tumors Database. The p.Asn455 residue is conserved in mammals but not in more distantly related organisms however four out of five computational analyses (PolyPhen-2, SIFT, AlignGVGD, BLOSUM, MutationTaster) do not suggest a high likelihood the variant Thr impacts the protein; this information is not predictive enough to rule out pathogenicity. The variant occurs outside of the splicing consensus sequence and in silico or computational prediction software programs (SpliceSiteFinder, MaxEntScan, NNSPLICE, GeneSplicer, HumanSpliceFinder) do not predict a difference in splicing. In summary, based on the above information the clinical significance of this variant cannot be determined with certainty at this time. This variant is classified as a variant of uncertain significance.

Literature cited by the submitters: PubMed 23621914 (cited by 4 submitters); PubMed 26689913 (cited by 4 submitters); PubMed 26845104 (cited by 4 submitters); PubMed 30883245 (cited by 4 submitters); PubMed 27600092 (cited by Ambry Genetics); PubMed 29684080 (cited by Ambry Genetics); PubMed 30267214 (cited by Ambry Genetics and Quest Diagnostics Nichols Institute San Juan Capistrano); PubMed 27363726 (cited by Myriad Genetics, Inc.); PubMed 36243179 (cited by Quest Diagnostics Nichols Institute San Juan Capistrano); PubMed 32885271 (cited by Quest Diagnostics Nichols Institute San Juan Capistrano).

NM_000179.3(MSH6):c.1364A>C (p.Asn455Thr)

Gene: MSH6 (mutS homolog 6; plus strand). Cytogenetic location: 2p16.3.
Variant type: single nucleotide variant.
Coding change: c.1364A>C on transcript NM_000179.3 (MANE Select); coding-DNA position 1364, A replaced by C.
Protein change: p.Asn455Thr; replaces asparagine 455 with threonine.
Molecular consequence: missense variant.
Genome position (GRCh38, 1-based): chr2:47,799,347, A>C. VCF-style: chr2-47799347-A-C. GRCh37 (hg19) VCF-style: chr2-48026486-A-C.
Other names: c.974A>C, p.Asn325Thr (NM_001281492.2); c.458A>C, p.Asn153Thr (NM_001281493.2, NM_001281494.2); short protein forms N455T, N153T, N325T.
Identifiers: ClinVar variation 142181 (VCV000142181.47), dbSNP rs200938360, ClinGen allele CA008530.